The following is an entry in ClinVar:

NM_033109.5(PNPT1):c.232A>T (p.Thr78Ser)

Gene: PNPT1 (polyribonucleotide nucleotidyltransferase 1; minus strand). Cytogenetic location: 2p16.1.
Variant type: single nucleotide variant.
Coding change: c.232A>T on transcript NM_033109.5 (MANE Select); coding-DNA position 232, A replaced by T.
Protein change: p.Thr78Ser; replaces threonine 78 with serine.
Molecular consequence: missense variant.
Genome position (GRCh38, 1-based): chr2:55,686,435, T>A on the plus strand (A>T on the coding strand, the complement: PNPT1 is on the minus strand). VCF-style: chr2-55686435-T-A. GRCh37 (hg19) VCF-style: chr2-55913570-T-A.
Other names: short protein forms T78S.
Identifiers: ClinVar variation 3714440 (VCV003714440.2).
Genomic context (GRCh38, chr2:55,686,435, plus strand): 5'-AAGGCATAAACTGGGAAGGGGAAGGTTTTGTTTTACTGACCGCTGTGACCATTACTGCAG[T>A]GTCACCTGACTTAAACATAAAGAACAACGCTGGTAAGTTCCTTTGAAATCAGATATTAGC-3'
Protein context (NP_149100.2, residues 68-88): DGSAVVQSGD[Thr78Ser]AVMVTAVSKT

ClinVar aggregate classification (germline): Uncertain significance (1 of 4 stars; one submission).

Submission:

Labcorp Genetics (formerly Invitae), Labcorp
Classification: Uncertain significance. Last evaluated: 2024-09-12. Review status: criteria provided, single submitter. Criteria: Invitae Variant Classification Sherloc (09022015). Collection method: clinical testing. Allele origin: germline.
Comment: This sequence change replaces threonine, which is neutral and polar, with serine, which is neutral and polar, at codon 78 of the PNPT1 protein (p.Thr78Ser). This variant is not present in population databases (gnomAD no frequency). This variant has not been reported in the literature in individuals affected with PNPT1-related conditions. Invitae Evidence Modeling of protein sequence and biophysical properties (such as structural, functional, and spatial information, amino acid conservation, physicochemical variation, residue mobility, and thermodynamic stability) indicates that this missense variant is not expected to disrupt PNPT1 protein function with a negative predictive value of 80%. In summary, the available evidence is currently insufficient to determine the role of this variant in disease. Therefore, it has been classified as a Variant of Uncertain Significance.